The following is an entry in ClinVar:

NM_014806.5(RUSC2):c.4525C>T (p.Pro1509Ser)

Gene: RUSC2 (RUN and SH3 domain containing 2; plus strand). Cytogenetic location: 9p13.3.
Variant type: single nucleotide variant.
Coding change: c.4525C>T on transcript NM_014806.5 (MANE Select); coding-DNA position 4525, C replaced by T.
Protein change: p.Pro1509Ser; replaces proline 1509 with serine.
Molecular consequence: missense variant. On other transcripts: non-coding transcript variant (1).
Genome position (GRCh38, 1-based): chr9:35,561,356, C>T. VCF-style: chr9-35561356-C-T. GRCh37 (hg19) VCF-style: chr9-35561353-C-T.
Other names: c.4525C>T, p.Pro1509Ser (NM_001135999.2); c.1891C>T, p.Pro631Ser (NM_001330740.2); short protein forms P1509S, P631S.
Identifiers: ClinVar variation 2076091 (VCV002076091.1), dbSNP rs756045672, ClinGen allele CA5044430.
Genomic context (GRCh38, chr9:35,561,356, plus strand): 5'-CGTGGCCCCGACTCTGGCCTGGTGCCCCTGGCCTACGTGACATTGACCCCAACTCCAAGT[C>T]CAACCCCTGGAAGCAGCCAAAACTGAGGCCCTGTGCATGCTGGTGGCCTCAGGGACCCTC-3'
Protein context (NP_055621.2, residues 1499-1516): AYVTLTPTPS[Pro1509Ser]TPGSSQN

ClinVar aggregate classification (germline): Uncertain significance (1 of 4 stars; one submission).

Allele frequency attached by ClinVar (database versions not stated): ExAC 0.00001; gnomAD 0.00001; TOPMed 0.00002.
gnomAD v4.1: 17 of 1,613,362 alleles (0.0011%); highest among the groups gnomAD compares: Non-Finnish European, 0.0014%; no homozygotes.

Submission:

Labcorp Genetics (formerly Invitae), Labcorp
Classification: Uncertain significance. Last evaluated: 2022-07-19. Review status: criteria provided, single submitter. Criteria: Invitae Variant Classification Sherloc (09022015). Collection method: clinical testing. Allele origin: germline.
Comment: This sequence change replaces proline, which is neutral and non-polar, with serine, which is neutral and polar, at codon 1509 of the RUSC2 protein (p.Pro1509Ser). This variant is present in population databases (rs756045672, gnomAD 0.002%). This variant has not been reported in the literature in individuals affected with RUSC2-related conditions. Algorithms developed to predict the effect of missense changes on protein structure and function output the following: SIFT: "Tolerated"; PolyPhen-2: "Not Available"; Align-GVGD: "Class C0". The serine amino acid residue is found in multiple mammalian species, which suggests that this missense change does not adversely affect protein function. In summary, the available evidence is currently insufficient to determine the role of this variant in disease. Therefore, it has been classified as a Variant of Uncertain Significance.